The following is an entry in ClinVar:

NM_020297.4(ABCC9):c.4470A>G (p.Val1490=)

Genes: KCNJ8-AS1 (KCNJ8 antisense RNA 1; plus strand), ABCC9 (ATP binding cassette subfamily C member 9; minus strand). Cytogenetic location: 12p12.1.
Variant type: single nucleotide variant.
Coding change: c.4470A>G on transcript NM_020297.4 (MANE Select); coding-DNA position 4470, A replaced by G.
Protein change: p.Val1490=; no amino-acid change (valine 1490 retained).
Molecular consequence: synonymous variant.
Genome position (GRCh38, 1-based): chr12:21,806,040, T>C on the plus strand (A>G on the coding strand, the complement: ABCC9 is on the minus strand). VCF-style: chr12-21806040-T-C. GRCh37 (hg19) VCF-style: chr12-21958974-T-C.
Other names: c.4470A>G, p.Val1490= (NM_001377273.1, NM_005691.4); c.3603A>G, p.Val1201= (NM_001377274.1).
Identifiers: ClinVar variation 179627 (VCV000179627.7), dbSNP rs727505001, ClinGen allele CA184803.

ClinVar aggregate classification (germline): Likely benign. Review status: criteria provided, multiple submitters, no conflicts (2 of 4 stars). 3 submissions from 3 submitters: Likely benign (3). Last evaluated 2024-10-28.

Conditions:
Cardiovascular phenotype. Identifiers: MedGen CN230736.
Dilated cardiomyopathy 1O (CMD1O). Also called: CARDIOMYOPATHY, DILATED, WITH VENTRICULAR TACHYCARDIA. Identifiers: Orphanet 154, MedGen C1837839, MONDO:0012062, OMIM 608569.

Allele frequency attached by ClinVar (database versions not stated): gnomAD exomes 0.00001; ExAC 0.00002; gnomAD 0.00002; TOPMed 0.00004.
gnomAD v4.1: 3 of 1,613,532 alleles (0.00019%); highest among the groups gnomAD compares: African/African-American, 0.004%; no homozygotes.

Submissions (3):

Labcorp Genetics (formerly Invitae), Labcorp
Classification: Likely benign for Dilated cardiomyopathy 1O. Last evaluated: 2024-10-28. Review status: criteria provided, single submitter. Criteria: Invitae Variant Classification Sherloc (09022015). Collection method: clinical testing. Allele origin: germline.

Ambry Genetics
Classification: Likely benign for Cardiovascular phenotype. Last evaluated: 2024-08-11. Review status: criteria provided, single submitter. Criteria: Ambry Variant Classification Scheme 2023. Collection method: clinical testing. Allele origin: germline.

Laboratory for Molecular Medicine, Mass General Brigham Personalized Medicine
Classification: Likely benign. Last evaluated: 2014-03-19. Review status: criteria provided, single submitter. Criteria: LMM Criteria. Collection method: clinical testing. Allele origin: germline. Observed: 1 variant allele.
Comment: Val1490Val in exon 37 of ABCC9: This variant is not expected to have clinical si gnificance because it does not alter an amino acid residue and is not located wi thin the splice consensus sequence.